The following is an entry in ClinVar:

ClinVar aggregate classification (germline): Uncertain significance (1 of 4 stars; one submission).

Submission:

Labcorp Genetics (formerly Invitae), Labcorp
Classification: Uncertain significance. Last evaluated: 2022-08-11. Review status: criteria provided, single submitter. Criteria: Invitae Variant Classification Sherloc (09022015). Collection method: clinical testing. Allele origin: germline.
Comment: This sequence change replaces glycine, which is neutral and non-polar, with alanine, which is neutral and non-polar, at codon 334 of the SCP2 protein (p.Gly334Ala). This variant is not present in population databases (gnomAD no frequency). This variant has not been reported in the literature in individuals affected with SCP2-related conditions. Algorithms developed to predict the effect of missense changes on protein structure and function are either unavailable or do not agree on the potential impact of this missense change (SIFT: "Deleterious"; PolyPhen-2: "Benign"; Align-GVGD: "Class C0"). In summary, the available evidence is currently insufficient to determine the role of this variant in disease. Therefore, it has been classified as a Variant of Uncertain Significance.

NM_002979.5(SCP2):c.1001G>C (p.Gly334Ala)

Gene: SCP2 (sterol carrier protein 2; plus strand). Cytogenetic location: 1p32.3.
Variant type: single nucleotide variant.
Coding change: c.1001G>C on transcript NM_002979.5 (MANE Select); coding-DNA position 1001, G replaced by C.
Protein change: p.Gly334Ala; replaces glycine 334 with alanine.
Molecular consequence: missense variant.
Genome position (GRCh38, 1-based): chr1:52,988,056, G>C. VCF-style: chr1-52988056-G-C. GRCh37 (hg19) VCF-style: chr1-53453728-G-C.
Other names: c.869G>C, p.Gly290Ala (NM_001007098.3, NM_001193600.2); c.929G>C, p.Gly310Ala (NM_001193599.2); c.758G>C, p.Gly253Ala (NM_001193617.2); c.1001G>C, p.Gly334Ala (NM_001330587.2); short protein forms G253A, G290A, G310A, G334A.
Identifiers: ClinVar variation 2111270 (VCV002111270.4), dbSNP rs2524734109, ClinGen allele CA340383329.